The following is an entry in ClinVar:

NM_006218.4(PIK3CA):c.2845C>T (p.Arg949Ter)

Gene: PIK3CA (phosphatidylinositol-4,5-bisphosphate 3-kinase catalytic subunit alpha; plus strand). Cytogenetic location: 3q26.32.
Variant type: single nucleotide variant.
Coding change: c.2845C>T on transcript NM_006218.4 (MANE Select); coding-DNA position 2845, C replaced by T.
Protein change: p.Arg949Ter; replaces arginine 949 with a stop codon.
Molecular consequence: nonsense.
Genome position (GRCh38, 1-based): chr3:179,230,285, C>T. VCF-style: chr3-179230285-C-T. GRCh37 (hg19) VCF-style: chr3-178948073-C-T.
Other names: short protein forms R949*.
Identifiers: ClinVar variation 1434754 (VCV001434754.7), dbSNP rs2108425013, ClinGen allele CA355281194.

ClinVar aggregate classification (germline): Uncertain significance. Review status: criteria provided, multiple submitters, no conflicts (2 of 4 stars). 2 submissions from 2 submitters: Uncertain significance (2). Last evaluated 2023-02-03.

Conditions:
Cowden syndrome (CS). Also called: Cowden's disease; Cowden's syndrome; Cowden disease. Identifiers: Orphanet 201, MedGen C0018553, MONDO:0016063. Disease mechanism: gain of function.

Allele frequency attached by ClinVar (database versions not stated): gnomAD exomes below 0.00001.
gnomAD v4.1: 1 of 1,611,282 alleles (0.000062%); highest among the groups gnomAD compares: Non-Finnish European, 0.000085%; no homozygotes.

Submissions (2):

Blueprint Genetics
Classification: Uncertain significance. Last evaluated: 2023-02-03. Review status: criteria provided, single submitter. Criteria: ACMG Guidelines, 2015. Collection method: clinical testing. Allele origin: germline.

Labcorp Genetics (formerly Invitae), Labcorp
Classification: Uncertain significance for Cowden syndrome. Last evaluated: 2021-11-27. Review status: criteria provided, single submitter. Criteria: Invitae Variant Classification Sherloc (09022015). Collection method: clinical testing. Allele origin: germline.
Comment: This sequence change creates a premature translational stop signal (p.Arg949*) in the PIK3CA gene. It is expected to result in an absent or disrupted protein product. However, the current clinical and genetic evidence is not sufficient to establish whether loss-of-function variants in PIK3CA cause disease. This variant is not present in population databases (gnomAD no frequency). This variant has not been reported in the literature in individuals affected with PIK3CA-related conditions. Experimental studies and prediction algorithms are not available or were not evaluated, and the functional significance of this variant is currently unknown. In summary, the available evidence is currently insufficient to determine the role of this variant in disease. Therefore, it has been classified as a Variant of Uncertain Significance.